The following is an entry in ClinVar:

ClinVar aggregate classification (germline): Pathogenic (1 of 4 stars; one submission).

Allele frequency attached by ClinVar (database versions not stated): gnomAD exomes below 0.00001; gnomAD 0.00001; TOPMed 0.00002.

Submission:

Labcorp Genetics (formerly Invitae), Labcorp
Classification: Pathogenic. Last evaluated: 2024-03-04. Review status: criteria provided, single submitter. Criteria: Invitae Variant Classification Sherloc (09022015). Collection method: clinical testing. Allele origin: germline.
Comment: This sequence change creates a premature translational stop signal (p.Val282Cysfs*10) in the TYRP1 gene. It is expected to result in an absent or disrupted protein product. Loss-of-function variants in TYRP1 are known to be pathogenic (PMID: 8651291, 9345097). This variant is present in population databases (no rsID available, gnomAD 0.007%). This variant has not been reported in the literature in individuals affected with TYRP1-related conditions. ClinVar contains an entry for this variant (Variation ID: 1956606). Algorithms developed to predict the effect of sequence changes on RNA splicing suggest that this variant may disrupt the consensus splice site. For these reasons, this variant has been classified as Pathogenic.

Literature cited by the submitters: PubMed 8651291; PubMed 9345097.

NM_000550.3(TYRP1):c.843dup (p.Val282fs)

Gene: TYRP1 (tyrosinase related protein 1; plus strand). Cytogenetic location: 9p23.
Variant type: Duplication.
Coding change: c.843dup on transcript NM_000550.3 (MANE Select); coding-DNA position 843, one base duplicated (T; older notation c.843dupT).
Protein change: p.Val282fs; shifts the reading frame from valine 282.
Molecular consequence: frameshift variant.
Genome position (GRCh38, 1-based): chr9:12,698,585, T duplicated. VCF-style (leftmost placement, unchanged base first): chr9-12698584-C-CT. GRCh37 (hg19) VCF-style: chr9-12698584-C-CT.
Other names: short protein forms V282fs.
Identifiers: ClinVar variation 1956606 (VCV001956606.5), dbSNP rs1357712610, ClinGen allele CA586637081.